The following is an entry in ClinVar:

ClinVar aggregate classification (germline): Conflicting classifications of pathogenicity. Review status: criteria provided, conflicting classifications (1 of 4 stars). 2 submissions from 2 submitters: Uncertain significance (1); Likely benign (1). Last evaluated 2023-03-23.

Conditions:
Hereditary cancer-predisposing syndrome. Also called: Hereditary neoplastic syndrome; Neoplastic Syndromes, Hereditary; Hereditary Cancer Syndrome; Tumor predisposition. Identifiers: Orphanet 140162, MedGen C0027672, MeSH D009386, MONDO:0015356.
Hereditary breast ovarian cancer syndrome. Also called: BRCA1- and BRCA2-Associated Hereditary Breast and Ovarian Cancer; Hereditary breast and ovarian cancer syndrome; Hereditary breast and ovarian cancer syndrome (HBOC); Hereditary breast and/or ovarian cancer syndrome; Breast and ovarian cancer; Hereditary breast and ovarian cancer. Identifiers: Orphanet 145, MedGen C0677776, MeSH D061325, MONDO:0003582. Disease mechanism: loss of function.

Submissions (2):

University of Washington Department of Laboratory Medicine, University of Washington
Classification: Likely benign for Hereditary cancer-predisposing syndrome. Last evaluated: 2023-03-23. Review status: criteria provided, single submitter. Criteria: Dines et al. (Genet Med. 2020). Collection method: curation. Allele origin: germline.
Comment: Missense variant in a coldspot region where missense variants are very unlikely to be pathogenic (PMID:31911673).

BRCA1 coldspot (exon 11 using historical exon numbering). Reclassification based on statistical prior probability

Labcorp Genetics (formerly Invitae), Labcorp
Classification: Uncertain significance for Hereditary breast ovarian cancer syndrome. Last evaluated: 2022-02-19. Review status: criteria provided, single submitter. Criteria: Invitae Variant Classification Sherloc (09022015). Collection method: clinical testing. Allele origin: germline.
Comment: This sequence change replaces phenylalanine, which is neutral and non-polar, with leucine, which is neutral and non-polar, at codon 1296 of the BRCA1 protein (p.Phe1296Leu). This variant is not present in population databases (gnomAD no frequency). This variant has not been reported in the literature in individuals affected with BRCA1-related conditions. ClinVar contains an entry for this variant (Variation ID: 658764). Advanced modeling of protein sequence and biophysical properties (such as structural, functional, and spatial information, amino acid conservation, physicochemical variation, residue mobility, and thermodynamic stability) performed at Invitae indicates that this missense variant is not expected to disrupt BRCA1 protein function. In summary, the available evidence is currently insufficient to determine the role of this variant in disease. Therefore, it has been classified as a Variant of Uncertain Significance.

NM_007294.4(BRCA1):c.3886T>C (p.Phe1296Leu)

Genes: BRCA1 (BRCA1 DNA repair associated; minus strand), LOC126862571 (BRD4-independent group 4 enhancer GRCh37_chr17:41243136-41244335; plus strand). Cytogenetic location: 17q21.31.
Variant type: single nucleotide variant.
Coding change: c.3886T>C on transcript NM_007294.4 (MANE Select); coding-DNA position 3886, T replaced by C.
Protein change: p.Phe1296Leu; replaces phenylalanine 1296 with leucine.
Molecular consequence: missense variant. On other transcripts: intron variant (135).
Genome position (GRCh38, 1-based): chr17:43,091,645, A>G on the plus strand (T>C on the coding strand, the complement: BRCA1 is on the minus strand). VCF-style: chr17-43091645-A-G. GRCh37 (hg19) VCF-style: chr17-41243662-A-G.
Other names: c.3676T>C, p.Phe1226Leu (NM_001407885.1, NM_001407886.1, NM_001407887.1 and 13 more transcripts); c.3673T>C, p.Phe1225Leu (NM_001407894.1, NM_001407895.1, NM_001407896.1 and 9 more transcripts); c.3763T>C, p.Phe1255Leu (NM_001407919.1, NM_001407648.1, NM_001407664.1 and 19 more transcripts); c.3622T>C, p.Phe1208Leu (NM_001407920.1, NM_001407921.1, NM_001407922.1 and 9 more transcripts); c.647-613T>C (NM_001408455.1, NM_001408466.1, NM_001408452.1 and 11 more transcripts); c.578-613T>C (NM_001408513.1, NM_001408489.1, NM_001408479.1 and 9 more transcripts); c.521-613T>C (NM_001408503.1, NM_001408505.1, NM_001408504.1); c.524-613T>C (NM_001408500.1, NM_001408497.1, NM_001408496.1 and 3 more transcripts); and 41 more; short protein forms F1296L, F1249L, F1000L, F1185L, F1225L, F1226L, F1254L, F1269L.
Identifiers: ClinVar variation 658764 (VCV000658764.12), dbSNP rs1597860658, ClinGen allele CA10594191.